The following is an entry in ClinVar:

ClinVar aggregate classification (germline): Uncertain significance. Review status: criteria provided, multiple submitters, no conflicts (2 of 4 stars). 2 submissions from 2 submitters: Uncertain significance (2). Last evaluated 2025-09-11.

Conditions:
Early Myoclonic Encephalopathy. Identifiers: MedGen C0270855.

Allele frequency attached by ClinVar (database versions not stated): gnomAD 0.00001; gnomAD exomes 0.00003 and 0.00001; TOPMed 0.00002.
gnomAD v4.1: 42 of 1,612,134 alleles (0.0026%); highest among the groups gnomAD compares: Non-Finnish European, 0.0033%; no homozygotes.

Submissions (2):

Ambry Genetics
Classification: Uncertain significance. Last evaluated: 2025-09-11. Review status: criteria provided, single submitter. Criteria: Ambry Variant Classification Scheme 2023. Collection method: clinical testing. Allele origin: germline.

Labcorp Genetics (formerly Invitae), Labcorp
Classification: Uncertain significance for Early Myoclonic Encephalopathy. Last evaluated: 2024-04-08. Review status: criteria provided, single submitter. Criteria: Invitae Variant Classification Sherloc (09022015). Collection method: clinical testing. Allele origin: germline.
Comment: This sequence change replaces phenylalanine, which is neutral and non-polar, with serine, which is neutral and polar, at codon 1792 of the JMJD1C protein (p.Phe1792Ser). This variant is present in population databases (no rsID available, gnomAD 0.003%). This variant has not been reported in the literature in individuals affected with JMJD1C-related conditions. ClinVar contains an entry for this variant (Variation ID: 1046457). Advanced modeling of protein sequence and biophysical properties (such as structural, functional, and spatial information, amino acid conservation, physicochemical variation, residue mobility, and thermodynamic stability) performed at Invitae indicates that this missense variant is not expected to disrupt JMJD1C protein function with a negative predictive value of 80%. In summary, the available evidence is currently insufficient to determine the role of this variant in disease. Therefore, it has been classified as a Variant of Uncertain Significance.

NM_032776.3(JMJD1C):c.5375T>C (p.Phe1792Ser)

Gene: JMJD1C (jumonji domain containing 1C; minus strand). Cytogenetic location: 10q21.3.
Variant type: single nucleotide variant.
Coding change: c.5375T>C on transcript NM_032776.3 (MANE Select); coding-DNA position 5375, T replaced by C.
Protein change: p.Phe1792Ser; replaces phenylalanine 1792 with serine.
Molecular consequence: missense variant. On other transcripts: non-coding transcript variant (1).
Genome position (GRCh38, 1-based): chr10:63,198,629, A>G on the plus strand (T>C on the coding strand, the complement: JMJD1C is on the minus strand). VCF-style: chr10-63198629-A-G. GRCh37 (hg19) VCF-style: chr10-64958389-A-G.
Other names: c.4718T>C, p.Phe1573Ser (NM_001322254.2, NM_001322258.2); c.4829T>C, p.Phe1610Ser (NM_001282948.2, NM_001318154.2); c.4511T>C, p.Phe1504Ser (NM_001318153.2); c.5261T>C, p.Phe1754Ser (NM_001322252.2); c.5375T>C (NM_032776.1); short protein forms F1504S, F1573S, F1610S, F1792S, F1754S.
Identifiers: ClinVar variation 1046457 (VCV001046457.9), dbSNP rs1473794674, ClinGen allele CA377032052.